The following is an entry in ClinVar:

ClinVar aggregate classification (germline): Likely benign. Review status: criteria provided, multiple submitters, no conflicts (2 of 4 stars). 2 submissions from 2 submitters: Likely benign (2). Last evaluated 2026-05-01.

Allele frequency attached by ClinVar (database versions not stated): ExAC 0.00001; gnomAD exomes 0.00001.
gnomAD v4.1: 6 of 1,614,090 alleles (0.00037%); highest among the groups gnomAD compares: Admixed American, 0.005%; no homozygotes.

Submissions (2):

CeGaT Center for Human Genetics Tuebingen
Classification: Likely benign. Last evaluated: 2026-05-01. Review status: criteria provided, single submitter. Criteria: CeGaT Center For Human Genetics Tuebingen Variant Classification Criteria Version 2. Collection method: clinical testing. Allele origin: germline. Affected: yes. Observed: 1 variant allele.
Comment: CEP152: BP4, BP7

Labcorp Genetics (formerly Invitae), Labcorp
Classification: Likely benign. Last evaluated: 2024-01-02. Review status: criteria provided, single submitter. Criteria: Invitae Variant Classification Sherloc (09022015). Collection method: clinical testing. Allele origin: germline.

NM_001194998.2(CEP152):c.2445G>A (p.Glu815=)

Gene: CEP152 (centrosomal protein 152; minus strand). Cytogenetic location: 15q21.1.
Variant type: single nucleotide variant.
Coding change: c.2445G>A on transcript NM_001194998.2 (MANE Select); coding-DNA position 2445, G replaced by A.
Protein change: p.Glu815=; no amino-acid change (glutamic acid 815 retained).
Molecular consequence: synonymous variant.
Genome position (GRCh38, 1-based): chr15:48,762,508, C>T on the plus strand (G>A on the coding strand, the complement: CEP152 is on the minus strand). VCF-style: chr15-48762508-C-T. GRCh37 (hg19) VCF-style: chr15-49054705-C-T.
Other names: c.2445G>A, p.Glu815= (NM_014985.4).
Identifiers: ClinVar variation 2999421 (VCV002999421.5), dbSNP rs537779382, ClinGen allele CA7548561.